The following is an entry in ClinVar:

ClinVar aggregate classification (germline): Conflicting classifications of pathogenicity. Review status: criteria provided, conflicting classifications (1 of 4 stars). 11 submissions from 11 submitters: Uncertain significance (5); Likely benign (5). 1 of the submissions does not count toward it. Last evaluated 2026-06-01.

Conditions:
Cardiovascular phenotype. Identifiers: MedGen CN230736.
TTN-related disorder. Also called: TTN-related condition; TTN-related disease; TTN-related disorders.
Dilated cardiomyopathy 1G (CMD1G). Identifiers: Orphanet 154, MedGen C1858763, MONDO:0011400, OMIM 604145.
Autosomal recessive limb-girdle muscular dystrophy type 2J (LGMDR10). Also called: Limb-girdle muscular dystrophy, type 2J; MUSCULAR DYSTROPHY, LIMB-GIRDLE, AUTOSOMAL RECESSIVE 10. Identifiers: Orphanet 140922, MedGen C1837342, MONDO:0012127, OMIM 608807.

Allele frequency attached by ClinVar (database versions not stated): ExAC 0.00015; 1000 Genomes Project 30x 0.00109; 1000 Genomes Project 0.00120; gnomAD exomes 0.00004 and 0.00013; gnomAD 0.00063 and 0.00064; TOPMed 0.00090.
gnomAD v4.1: 163 of 1,607,490 alleles (0.01%); highest among the groups gnomAD compares: African/African-American, 0.18%; no homozygotes.

Submissions (11):

Women's Health and Genetics/Laboratory Corporation of America, LabCorp
Classification: Likely benign. Last evaluated: 2026-06-01. Review status: criteria provided, single submitter. Criteria: LabCorp Variant Classification Summary - May 2015. Collection method: clinical testing. Allele origin: germline.
Comment: Variant summary: TTN c.71192T>A (p.Val23731Asp) results in a non-conservative amino acid change located in the A-band region of the encoded protein sequence. Algorithms developed to predict the effect of missense changes on protein structure and function all suggest that this variant is likely to be disruptive. The variant allele was found at a frequency of 0.00013 in 243684 control chromosomes, predominantly at a frequency of 0.0019 within the African or African-American subpopulation in the gnomAD database. The observed variant frequency within African or African-American control individuals in the gnomAD database exceeds the estimated maximal expected allele frequency for disease-causing variants in TTN. To our knowledge, no occurrence of c.71192T>A in individuals affected with TTN-related conditions and no experimental evidence demonstrating its impact on protein function have been reported. ClinVar contains an entry for this variant (Variation ID: 130681). Based on the evidence outlined above, the variant was classified as likely benign.

Labcorp Genetics (formerly Invitae), Labcorp
Classification: Likely benign for Dilated cardiomyopathy 1G; Autosomal recessive limb-girdle muscular dystrophy type 2J. Last evaluated: 2026-01-28. Review status: criteria provided, single submitter. Criteria: Invitae Variant Classification Sherloc (09022015). Collection method: clinical testing. Allele origin: germline.

Molecular Diagnostic Laboratory for Inherited Cardiovascular Disease, Montreal Heart Institute
Classification: Likely benign. Last evaluated: 2025-04-09. Review status: criteria provided, single submitter. Criteria: ACMG Guidelines, 2015. Collection method: clinical testing. Allele origin: germline. Affected: no.
Comment: BS1;BP1

Clinical Genomics Laboratory, Washington University in St. Louis
Classification: Uncertain significance for Dilated cardiomyopathy 1G. Last evaluated: 2024-05-30. Review status: criteria provided, single submitter. Criteria: ACMG Guidelines, 2015. Collection method: clinical testing. Allele origin: germline.
Comment: A TTN c.78896T>A (p.Val26299Asp) variant was identified. This variant, to our knowledge, has not been reported in the medical literature. This variant has been reported in the ClinVar database as a variant of uncertain significance by four submitters and a likely benign variant by four submitters (ClinVar ID: 130681). Computational predictors are uncertain as to the impact of this variant on TTN function. Due to limited information, and based on ACMG/AMP guidelines for variant interpretation (Richards S et al., PMID: 25741868), the clinical significance of this variant is uncertain at this time.

Revvity Omics, Revvity
Classification: Uncertain significance. Last evaluated: 2021-06-23. Review status: criteria provided, single submitter. Criteria: ACMG Guidelines, 2015. Collection method: clinical testing. Allele origin: germline.

GeneDx
Classification: Likely benign. Last evaluated: 2021-01-13. Review status: criteria provided, single submitter. Criteria: GeneDx Variant Classification Process June 2021. Collection method: clinical testing. Allele origin: germline. Affected: yes.

Ambry Genetics
Classification: Likely benign for Cardiovascular phenotype. Last evaluated: 2020-01-03. Review status: criteria provided, single submitter. Criteria: Ambry Variant Classification Scheme 2023. Collection method: clinical testing. Allele origin: germline.

Eurofins Ntd Llc (ga)
Classification: Uncertain significance. Last evaluated: 2016-06-28. Review status: criteria provided, single submitter. Criteria: EGL Classification Definitions 2015. Collection method: clinical testing. Allele origin: germline. Observed: 2 variant alleles, 2 heterozygotes.

Genetic Services Laboratory, University of Chicago
Classification: Uncertain significance. Last evaluated: 2014-03-13. Review status: criteria provided, single submitter. Criteria: ACMG Guidelines, 2007. Collection method: clinical testing. Allele origin: germline.

Laboratory for Molecular Medicine, Mass General Brigham Personalized Medicine
Classification: Uncertain significance. Last evaluated: 2014-03-05. Review status: criteria provided, single submitter. Criteria: LMM Criteria. Collection method: clinical testing. Allele origin: germline. Observed: 2 variant alleles.
Comment: Variant classified as Uncertain Significance - Favor Benign. The Val23731Asp var iant in TTN has not been reported in individuals with cardiomyopathy, but has be en identified in 2/176 Nigerian and chromosomes and in 1/109 Puerto Rican chromo somes by the 1000 Genomes Project (dbSNP rs73036377). Computational prediction t ools and conservation analysis do not provide strong support for or against an i mpact to the protein. While the variant?s frequency suggests that it is more lik ely benign, it is too low to confidently rule out a disease causing role. Additi onal information is needed to fully assess its clinical significance.

PreventionGenetics, part of Exact Sciences
Classification: Likely benign for TTN-related condition. Last evaluated: 2024-05-29. Review status: no assertion criteria provided. Collection method: clinical testing. Allele origin: germline. Not counted in ClinVar's aggregate classification.
Comment: This variant is classified as likely benign based on ACMG/AMP sequence variant interpretation guidelines (Richards et al. 2015 PMID: 25741868, with internal and published modifications).

Literature cited by the submitters: PubMed 41569083 (cited by Women's Health and Genetics/Laboratory Corporation of America, LabCorp).

NM_001267550.2(TTN):c.78896T>A (p.Val26299Asp)

Genes: TTN (titin; minus strand), TTN-AS1 (TTN antisense RNA 1; plus strand). Cytogenetic location: 2q31.2.
Variant type: single nucleotide variant.
Coding change: c.78896T>A on transcript NM_001267550.2 (MANE Select); coding-DNA position 78896, T replaced by A.
Protein change: p.Val26299Asp; replaces valine 26299 with aspartic acid.
Molecular consequence: missense variant.
Genome position (GRCh38, 1-based): chr2:178,567,236, A>T on the plus strand (T>A on the coding strand, the complement: TTN is on the minus strand). VCF-style: chr2-178567236-A-T. GRCh37 (hg19) VCF-style: chr2-179431963-A-T.
Other names: p.V24658D:GTC>GAC; c.52076T>A, p.Val17359Asp (NM_133432.3); c.52277T>A, p.Val17426Asp (NM_133437.4); c.73973T>A, p.Val24658Asp (NM_001256850.1); c.51701T>A, p.Val17234Asp (NM_003319.4); c.71192T>A, p.Val23731Asp (NM_133378.4); short protein forms V26299D, V23731D, V24658D, V17234D, V17426D, V17359D.
Identifiers: ClinVar variation 130681 (VCV000130681.38), dbSNP rs73036377, ClinGen allele CA178490.